The following is an entry in ClinVar:

NM_001384140.1(PCDH15):c.3717+1G>C

Gene: PCDH15 (protocadherin related 15; minus strand). Cytogenetic location: 10q21.1.
Variant type: single nucleotide variant.
Coding change: c.3717+1G>C on transcript NM_001384140.1 (MANE Select); the canonical splice donor site of the intron after coding-DNA position 3717, G replaced by C.
Molecular consequence: splice donor variant.
Genome position (GRCh38, 1-based): chr10:53,866,641, C>G on the plus strand (G>C on the coding strand, the complement: PCDH15 is on the minus strand). VCF-style: chr10-53866641-C-G. GRCh37 (hg19) VCF-style: chr10-55626401-C-G.
Other names: c.3606+1G>C (NM_001142767.2); c.3504+1G>C (NM_001142765.2); c.3717+1G>C (NM_001142766.2, NM_033056.4, NM_001142764.2 and 4 more transcripts); c.3732+1G>C (NM_001142763.2, NM_001142771.2); c.3738+1G>C (NM_001354411.2); c.3753+1G>C (NM_001142769.3); c.3651+1G>C (NM_001354404.2, NM_001142773.2, NM_001142768.2).
Identifiers: ClinVar variation 1069096 (VCV001069096.10), dbSNP rs748706627, ClinGen allele CA376516256.
Genomic context (GRCh38, chr10:53,866,641, plus strand): 5'-AAACACTGACCTATGGCTAGTATCGTAGCTACTTCCCTTTCCTGAAGTTTTATCTACTTA[C>G]GAGTACATCGGCTTTGCCGCTCAGTCCCTTCCCATAGTCGTCAGTTGCAATAACTTGAAA-3'

ClinVar aggregate classification (germline): Pathogenic/Likely pathogenic. Review status: criteria provided, multiple submitters, no conflicts (2 of 4 stars). 2 submissions from 2 submitters: Pathogenic (1); Likely pathogenic (1). Last evaluated 2022-07-05.

Conditions:
Autosomal recessive nonsyndromic hearing loss 23. Identifiers: Orphanet 90636, MedGen C1836027, MONDO:0012293, OMIM 609533.

Submissions (2):

Baylor Genetics
Classification: Likely pathogenic for Autosomal recessive nonsyndromic hearing loss 23. Last evaluated: 2022-07-05. Review status: criteria provided, single submitter. Criteria: ACMG Guidelines, 2015. Collection method: clinical testing. Allele origin: unknown.

Labcorp Genetics (formerly Invitae), Labcorp
Classification: Pathogenic. Last evaluated: 2020-05-06. Review status: criteria provided, single submitter. Criteria: Invitae Variant Classification Sherloc (09022015). Collection method: clinical testing. Allele origin: germline.
Comment: For these reasons, this variant has been classified as Pathogenic. Donor and acceptor splice site variants typically lead to a loss of protein function (PMID: 16199547), and loss-of-function variants in PCDH15 are known to be pathogenic (PMID: 11398101, 11487575, 14570705). Algorithms developed to predict the effect of sequence changes on RNA splicing suggest that this variant may disrupt the consensus splice site, but this prediction has not been confirmed by published transcriptional studies. Disruption of this splice site has been observed in individual(s) with clinical features of Usher syndrome (PMID: 18719945, 22135276). This variant is not present in population databases (ExAC no frequency). This sequence change affects a donor splice site in intron 27 of the PCDH15 gene. It is expected to disrupt RNA splicing and likely results in an absent or disrupted protein product.

Literature cited by the submitters: PubMed 16199547 (cited by Labcorp Genetics (formerly Invitae), Labcorp); PubMed 11398101 (cited by Labcorp Genetics (formerly Invitae), Labcorp); PubMed 11487575 (cited by Labcorp Genetics (formerly Invitae), Labcorp); PubMed 14570705 (cited by Labcorp Genetics (formerly Invitae), Labcorp); PubMed 18719945 (cited by Labcorp Genetics (formerly Invitae), Labcorp); PubMed 22135276 (cited by Labcorp Genetics (formerly Invitae), Labcorp).